The following is an entry in ClinVar:

ClinVar aggregate classification (germline): Likely benign. Review status: criteria provided, multiple submitters, no conflicts (2 of 4 stars). 2 submissions from 2 submitters: Likely benign (2). Last evaluated 2025-03-12.

Conditions:
Congenital myotonia, autosomal recessive form. Also called: myotonia congenita, autosomal recessive; BECKER DISEASE; Becker Generalized Myotonia. Identifiers: Orphanet 614, MedGen C0751360, MONDO:0009715, OMIM 255700.
Congenital myotonia, autosomal dominant form (THD). Also called: Myotonia congenita autosomal dominant; THOMSEN DISEASE. Identifiers: Orphanet 614, MedGen C2936781, MONDO:0008055, OMIM 160800.

Allele frequency attached by ClinVar (database versions not stated): gnomAD below 0.00001 and 0.00001; gnomAD exomes 0.00001 and 0.00002; ExAC 0.00002.
gnomAD v4.1: 12 of 1,612,990 alleles (0.00074%); highest among the groups gnomAD compares: South Asian, 0.013%; no homozygotes.

Submissions (2):

Labcorp Genetics (formerly Invitae), Labcorp
Classification: Likely benign for Congenital myotonia, autosomal recessive form; Congenital myotonia, autosomal dominant form. Last evaluated: 2025-03-12. Review status: criteria provided, single submitter. Criteria: Invitae Variant Classification Sherloc (09022015). Collection method: clinical testing. Allele origin: germline.

GeneDx
Classification: Likely benign. Last evaluated: 2017-07-28. Review status: criteria provided, single submitter. Criteria: GeneDx Variant Classification (06012015). Collection method: clinical testing. Allele origin: germline. Affected: yes.
Comment: This variant is considered likely benign or benign based on one or more of the following criteria: it is a conservative change, it occurs at a poorly conserved position in the protein, it is predicted to be benign by multiple in silico algorithms, and/or has population frequency not consistent with disease.

NM_000083.3(CLCN1):c.1482T>C (p.Phe494=)

Gene: CLCN1 (chloride voltage-gated channel 1; plus strand). Cytogenetic location: 7q34.
Variant type: single nucleotide variant.
Coding change: c.1482T>C on transcript NM_000083.3 (MANE Select); coding-DNA position 1482, T replaced by C.
Protein change: p.Phe494=; no amino-acid change (phenylalanine 494 retained).
Molecular consequence: synonymous variant. On other transcripts: non-coding transcript variant (1).
Genome position (GRCh38, 1-based): chr7:143,339,521, T>C. VCF-style: chr7-143339521-T-C. GRCh37 (hg19) VCF-style: chr7-143036614-T-C.
Identifiers: ClinVar variation 511042 (VCV000511042.4), dbSNP rs745690349, ClinGen allele CA4537405.
Genomic context (GRCh38, chr7:143,339,521, plus strand): 5'-CAAGGAACTTGGATCTCGTAACACCTTCCTTCCTTTTATCTTCCCTCTAGGAGCTGCATT[T>C]GGAAGGCTGGTAGGAGAAATCATGGCCATGCTCTTTCCTGATGGTATTTTGTTTGATGAC-3'
Protein context (NP_000074.3, residues 484-504): FMPVFVLGAA[Phe494=]GRLVGEIMAM